The following is an entry in ClinVar:

ClinVar aggregate classification (germline): Uncertain significance (1 of 4 stars; one submission).

gnomAD v4.1: 4 of 1,613,986 alleles (0.00025%); highest among the groups gnomAD compares: Admixed American, 0.0017%; no homozygotes.

Submission:

GeneDx
Classification: Uncertain significance. Last evaluated: 2024-11-18. Review status: criteria provided, single submitter. Criteria: GeneDx Variant Classification Process June 2021. Collection method: clinical testing. Allele origin: germline. Affected: yes.
Comment: Not observed at significant frequency in large population cohorts (gnomAD); In silico analysis supports that this missense variant has a deleterious effect on protein structure/function; Has not been previously published as pathogenic or benign to our knowledge

NM_001375380.1(EBF3):c.296C>T (p.Pro99Leu)

Gene: EBF3 (EBF transcription factor 3; minus strand). Cytogenetic location: 10q26.3.
Variant type: single nucleotide variant.
Coding change: c.296C>T on transcript NM_001375380.1 (MANE Select); coding-DNA position 296, C replaced by T.
Protein change: p.Pro99Leu; replaces proline 99 with leucine.
Molecular consequence: missense variant.
Genome position (GRCh38, 1-based): chr10:129,963,001, G>A on the plus strand (C>T on the coding strand, the complement: EBF3 is on the minus strand). VCF-style: chr10-129963001-G-A. GRCh37 (hg19) VCF-style: chr10-131761265-G-A.
Other names: c.296C>T, p.Pro99Leu (NM_001005463.3, NM_001375379.1, NM_001375389.1 and 3 more transcripts); short protein forms P99L.
Identifiers: ClinVar variation 3899804 (VCV003899804.1).